The following is an entry in ClinVar:

ClinVar aggregate classification (germline): Uncertain significance (1 of 4 stars; one submission).

gnomAD v4.1: 1 of 1,613,994 alleles (0.000062%); highest among the groups gnomAD compares: Non-Finnish European, 0.000085%; no homozygotes.

Submission:

GeneDx
Classification: Uncertain significance. Last evaluated: 2026-03-12. Review status: criteria provided, single submitter. Criteria: GeneDx Variant Classification Process June 2021. Collection method: clinical testing. Allele origin: germline.
Comment: Not observed at significant frequency in large population cohorts (gnomAD); In silico analysis supports that this missense variant has a deleterious effect on protein structure/function; Has not been previously published as pathogenic or benign to our knowledge.

NM_006421.5(ARFGEF1):c.4872G>T (p.Gln1624His)

Gene: ARFGEF1 (ARF guanine nucleotide exchange factor 1; minus strand). Cytogenetic location: 8q13.2.
Variant type: single nucleotide variant.
Coding change: c.4872G>T on transcript NM_006421.5 (MANE Select); coding-DNA position 4872, G replaced by T.
Protein change: p.Gln1624His; replaces glutamine 1624 with histidine.
Molecular consequence: missense variant. On other transcripts: intron variant (2).
Genome position (GRCh38, 1-based): chr8:67,204,767, C>A on the plus strand (G>T on the coding strand, the complement: ARFGEF1 is on the minus strand). VCF-style: chr8-67204767-C-A. GRCh37 (hg19) VCF-style: chr8-68117002-C-A.
Other names: c.4872G>T, p.Gln1624His (NM_001413184.1, NM_001413187.1, NM_001413194.1); c.4854G>T, p.Gln1618His (NM_001413185.1, NM_001413186.1, NM_001413189.1); c.4272G>T, p.Gln1424His (NM_001413188.1, NM_001413197.1); c.4866G>T, p.Gln1622His (NM_001413190.1); c.4254G>T, p.Gln1418His (NM_001413193.1); c.3447G>T, p.Gln1149His (NM_001413196.1); c.4802-44G>T (NM_001413192.1); c.4820-44G>T (NM_001413191.1); short protein forms Q1418H, Q1622H, Q1424H, Q1624H, Q1149H, Q1618H.
Identifiers: ClinVar variation 5008606 (VCV005008606.1).